The following is an entry in ClinVar:

ClinVar aggregate classification (germline): Uncertain significance (1 of 4 stars; one submission).

Conditions:
Autosomal dominant childhood-onset proximal spinal muscular atrophy with contractures (SMALED2A). Also called: Spinal muscular atrophy, lower extremity-predominant, 2A, autosomal dominant; SPINAL MUSCULAR ATROPHY, LOWER EXTREMITY-PREDOMINANT, 2A, CHILDHOOD ONSET, AUTOSOMAL DOMINANT. Identifiers: Orphanet 363447, Orphanet 363454, MedGen C4747715, MONDO:0014121, OMIM 615290.

Submission:

Labcorp Genetics (formerly Invitae), Labcorp
Classification: Uncertain significance for Autosomal dominant childhood-onset proximal spinal muscular atrophy with contractures. Last evaluated: 2021-12-02. Review status: criteria provided, single submitter. Criteria: Invitae Variant Classification Sherloc (09022015). Collection method: clinical testing. Allele origin: germline.
Comment: In summary, the available evidence is currently insufficient to determine the role of this variant in disease. Therefore, it has been classified as a Variant of Uncertain Significance. This variant has not been reported in the literature in individuals affected with BICD2-related conditions. This variant is a gross deletion of the genomic region encompassing exon(s) 1 of the BICD2 gene, which includes the initiator codon. This deletion extends beyond the assayed region for this gene and therefore may encompass additional genes. It is expected to result in an absent or disrupted protein product. However, the current clinical and genetic evidence is not sufficient to establish whether loss-of-function variants in BICD2 cause disease.

NC_000009.11:g.(?_95526777)_(95527036_?)del

Gene: BICD2 (BICD cargo adaptor 2; minus strand). Cytogenetic location: 9q22.31.
Variant type: Deletion.
Identifiers: ClinVar variation 1003193 (VCV001003193.7).